The following is an entry in ClinVar:

NM_005120.3(MED12):c.6042A>G (p.Gln2014=)

Gene: MED12 (mediator complex subunit 12; plus strand). Cytogenetic location: Xq13.1.
Variant type: single nucleotide variant.
Coding change: c.6042A>G on transcript NM_005120.3 (MANE Select); coding-DNA position 6042, A replaced by G.
Protein change: p.Gln2014=; no amino-acid change (glutamine 2014 retained).
Molecular consequence: synonymous variant.
Genome position (GRCh38, 1-based): chrX:71,137,941, A>G. VCF-style: chrX-71137941-A-G. GRCh37 (hg19) VCF-style: chrX-70357791-A-G.
Identifiers: ClinVar variation 2633873 (VCV002633873.1), dbSNP rs2519715910, ClinGen allele CA516727764.

ClinVar aggregate classification (germline): Uncertain significance (1 of 4 stars; one submission).

Conditions:
MED12-Related Disorders. Also called: MED12-related condition; MED12-related disorder. Identifiers: MedGen CN381102.

gnomAD v4.1: 2 of 1,207,422 alleles (0.00017%); highest among the groups gnomAD compares: Non-Finnish European, 0.00011%; no homozygotes.

Submission:

PreventionGenetics, part of Exact Sciences
Classification: Uncertain significance for MED12-related condition. Last evaluated: 2023-04-10. Review status: criteria provided, single submitter. Criteria: ACMG Guidelines, 2015. Collection method: clinical testing. Allele origin: germline.
Comment: The MED12 c.6042A>G variant is not predicted to result in an amino acid change (p.=). To our knowledge, this variant has not been reported in the literature or in a large population database, indicating this variant is rare. At this time, the clinical significance of this variant is uncertain due to the absence of conclusive functional and genetic evidence.